The following is an entry in ClinVar:

NM_032758.4(PHF5A):c.88T>C (p.Cys30Arg)

Gene: PHF5A (PHD finger protein 5A; minus strand). Cytogenetic location: 22q13.2.
Variant type: single nucleotide variant.
Coding change: c.88T>C on transcript NM_032758.4 (MANE Select); coding-DNA position 88, T replaced by C.
Protein change: p.Cys30Arg; replaces cysteine 30 with arginine.
Molecular consequence: missense variant.
Genome position (GRCh38, 1-based): chr22:41,467,603, A>G on the plus strand (T>C on the coding strand, the complement: PHF5A is on the minus strand). VCF-style: chr22-41467603-A-G. GRCh37 (hg19) VCF-style: chr22-41863607-A-G.
Other names: short protein forms C30R.
Identifiers: ClinVar variation 3767450 (VCV003767450.1).

ClinVar aggregate classification (germline): Uncertain significance (1 of 4 stars; one submission).

Submission:

GeneDx
Classification: Uncertain significance. Last evaluated: 2024-09-10. Review status: criteria provided, single submitter. Criteria: GeneDx Variant Classification Process June 2021. Collection method: clinical testing. Allele origin: germline. Affected: yes.
Comment: Not observed at significant frequency in large population cohorts (gnomAD); In silico analysis supports that this missense variant has a deleterious effect on protein structure/function; Has not been previously published as pathogenic or benign to our knowledge.